The following is an entry in ClinVar:

NM_001394062.1(MACF1):c.18208_18210del (p.Leu6070del)

Gene: MACF1 (microtubule actin crosslinking factor 1; plus strand). Cytogenetic location: 1p34.3.
Variant type: Deletion.
Coding change: c.18208_18210del on transcript NM_001394062.1 (MANE Select); coding-DNA positions 18208 to 18210, 3 bases deleted (CTG; older notation c.18208_18210delCTG).
Protein change: p.Leu6070del; deletes leucine 6070.
Molecular consequence: inframe deletion.
Genome position (GRCh38, 1-based): chr1:39,437,996-39,437,998, CTG deleted. VCF-style (leftmost placement, unchanged base first): chr1-39437995-TCTG-T. GRCh37 (hg19) VCF-style: chr1-39903667-TCTG-T.
Other names: c.6286_6288del, p.Leu2096del (NM_001397473.1); c.12031_12033del, p.Leu4011del (NM_012090.5); short protein forms L2096del, L4011del, L6070del.
Identifiers: ClinVar variation 2796443 (VCV002796443.3), dbSNP rs1169385859, ClinGen allele CA735629129.

ClinVar aggregate classification (germline): Uncertain significance (1 of 4 stars; one submission).

Allele frequency attached by ClinVar (database versions not stated): TOPMed 0.00001; gnomAD 0.00002.

Submission:

Labcorp Genetics (formerly Invitae), Labcorp
Classification: Uncertain significance. Last evaluated: 2023-09-25. Review status: criteria provided, single submitter. Criteria: Invitae Variant Classification Sherloc (09022015). Collection method: clinical testing. Allele origin: germline.
Comment: In summary, the available evidence is currently insufficient to determine the role of this variant in disease. Therefore, it has been classified as a Variant of Uncertain Significance. Experimental studies and prediction algorithms are not available or were not evaluated, and the functional significance of this variant is currently unknown. This variant has not been reported in the literature in individuals affected with MACF1-related conditions. This variant is not present in population databases (gnomAD no frequency). This variant, c.12031_12033del, results in the deletion of 1 amino acid(s) of the MACF1 protein (p.Leu4011del), but otherwise preserves the integrity of the reading frame.